The following is an entry in ClinVar:

NM_000135.4(FANCA):c.2316G>C (p.Gln772His)

Gene: FANCA (FA complementation group A; minus strand). Cytogenetic location: 16q24.3.
Variant type: single nucleotide variant.
Coding change: c.2316G>C on transcript NM_000135.4 (MANE Select); coding-DNA position 2316, G replaced by C.
Protein change: p.Gln772His; replaces glutamine 772 with histidine.
Molecular consequence: missense variant.
Genome position (GRCh38, 1-based): chr16:89,770,166, C>G on the plus strand (G>C on the coding strand, the complement: FANCA is on the minus strand). VCF-style: chr16-89770166-C-G. GRCh37 (hg19) VCF-style: chr16-89836574-C-G.
Other names: c.2316G>C, p.Gln772His (NM_001286167.3); short protein forms Q772H.
Identifiers: ClinVar variation 2633094 (VCV002633094.1), dbSNP rs1276493937, ClinGen allele CA397444905.

ClinVar aggregate classification (germline): Uncertain significance (1 of 4 stars; one submission).

Conditions:
FANCA-related disorder. Also called: FANCA-related condition.

Submission:

PreventionGenetics, part of Exact Sciences
Classification: Uncertain significance for FANCA-related condition. Last evaluated: 2023-05-03. Review status: criteria provided, single submitter. Criteria: ACMG Guidelines, 2015. Collection method: clinical testing. Allele origin: germline.
Comment: The FANCA c.2316G>C variant is predicted to result in the amino acid substitution p.Gln772His. To our knowledge, this variant has not been reported in the literature or in a large population database, indicating this variant is rare. At this time, the clinical significance of this variant is uncertain due to the absence of conclusive functional and genetic evidence.